The following is an entry in ClinVar:

NM_025257.3(SLC44A4):c.1918C>G (p.Pro640Ala)

Gene: SLC44A4 (solute carrier family 44 member 4; minus strand). Cytogenetic location: 6p21.33.
Variant type: single nucleotide variant.
Coding change: c.1918C>G on transcript NM_025257.3 (MANE Select); coding-DNA position 1918, C replaced by G.
Protein change: p.Pro640Ala; replaces proline 640 with alanine.
Molecular consequence: missense variant.
Genome position (GRCh38, 1-based): chr6:31,864,824, G>C on the plus strand (C>G on the coding strand, the complement: SLC44A4 is on the minus strand). VCF-style: chr6-31864824-G-C. GRCh37 (hg19) VCF-style: chr6-31832601-G-C.
Other names: c.1792C>G, p.Pro598Ala (NM_001178044.2); c.1690C>G, p.Pro564Ala (NM_001178045.2); c.1918C>G (NM_025257.2); short protein forms P598A, P640A, P564A.
Identifiers: ClinVar variation 4778847 (VCV004778847.2).

ClinVar aggregate classification (germline): Uncertain significance. Review status: criteria provided, multiple submitters, no conflicts (2 of 4 stars). 2 submissions from 2 submitters: Uncertain significance (2). Last evaluated 2025-06-24.

Conditions:
SLC44A4-related disorder. Also called: SLC44A4-related condition.

gnomAD v4.1: 7 of 1,614,056 alleles (0.00043%); highest among the groups gnomAD compares: Non-Finnish European, 0.00059%; no homozygotes.

Submissions (2):

Labcorp Genetics (formerly Invitae), Labcorp
Classification: Uncertain significance. Last evaluated: 2025-06-24. Review status: criteria provided, single submitter. Criteria: Invitae Variant Classification Sherloc (09022015). Collection method: clinical testing. Allele origin: germline.
Comment: This sequence change replaces proline, which is neutral and non-polar, with alanine, which is neutral and non-polar, at codon 640 of the SLC44A4 protein (p.Pro640Ala). This variant is present in population databases (no rsID available, gnomAD 0.002%). This variant has not been reported in the literature in individuals affected with SLC44A4-related conditions. Invitae Evidence Modeling of protein sequence and biophysical properties (such as structural, functional, and spatial information, amino acid conservation, physicochemical variation, residue mobility, and thermodynamic stability) indicates that this missense variant is expected to disrupt SLC44A4 protein function with a positive predictive value of 80%. In summary, the available evidence is currently insufficient to determine the role of this variant in disease. Therefore, it has been classified as a Variant of Uncertain Significance.

PreventionGenetics, part of Exact Sciences
Classification: Uncertain significance for SLC44A4-related condition. Last evaluated: 2025-05-20. Review status: criteria provided, single submitter. Criteria: ACMG Guidelines, 2015. Collection method: clinical testing. Allele origin: germline.
Comment: The SLC44A4 c.1918C>G variant is predicted to result in the amino acid substitution p.Pro640Ala. To our knowledge, this variant has not been reported in the literature. This variant is reported in 0.00088% of alleles in individuals of European (Non-Finnish) descent in gnomAD. At this time, the clinical significance of this variant is uncertain due to the absence of conclusive functional and genetic evidence.